The following is an entry in ClinVar:

ClinVar aggregate classification (germline): Uncertain significance (1 of 4 stars; one submission).

Conditions:
Familial cancer of breast. Also called: hereditary breast carcinoma; BREAST CANCER, FAMILIAL; Hereditary breast cancer. Identifiers: Orphanet 227535, MedGen C0346153, MONDO:0016419, OMIM 114480. Disease mechanism: loss of function.
Fanconi anemia complementation group J. Also called: BRIP1-Related Fanconi Anemia. Identifiers: Orphanet 84, MedGen C1836860, MONDO:0012187, OMIM 609054.

Submission:

Labcorp Genetics (formerly Invitae), Labcorp
Classification: Uncertain significance for Familial cancer of breast; Fanconi anemia complementation group J. Last evaluated: 2020-08-16. Review status: criteria provided, single submitter. Criteria: Invitae Variant Classification Sherloc (09022015). Collection method: clinical testing. Allele origin: germline.
Comment: This sequence change replaces tyrosine with serine at codon 353 of the BRIP1 protein (p.Tyr353Ser). The tyrosine residue is moderately conserved and there is a large physicochemical difference between tyrosine and serine. This variant is not present in population databases (ExAC no frequency). In summary, the available evidence is currently insufficient to determine the role of this variant in disease. Therefore, it has been classified as a Variant of Uncertain Significance. Algorithms developed to predict the effect of missense changes on protein structure and function (SIFT, PolyPhen-2, Align-GVGD) all suggest that this variant is likely to be disruptive, but these predictions have not been confirmed by published functional studies and their clinical significance is uncertain. This variant has not been reported in the literature in individuals with BRIP1-related conditions.

NM_032043.3(BRIP1):c.1058A>C (p.Tyr353Ser)

Gene: BRIP1 (BRCA1 interacting DNA helicase 1; minus strand). Cytogenetic location: 17q23.2.
Variant type: single nucleotide variant.
Coding change: c.1058A>C on transcript NM_032043.3 (MANE Select); coding-DNA position 1058, A replaced by C.
Protein change: p.Tyr353Ser; replaces tyrosine 353 with serine.
Molecular consequence: missense variant.
Genome position (GRCh38, 1-based): chr17:61,801,335, T>G on the plus strand (A>C on the coding strand, the complement: BRIP1 is on the minus strand). VCF-style: chr17-61801335-T-G. GRCh37 (hg19) VCF-style: chr17-59878696-T-G.
Other names: short protein forms Y353S.
Identifiers: ClinVar variation 1006764 (VCV001006764.9), dbSNP rs2077989056, ClinGen allele CA400484021.
Genomic context (GRCh38, chr17:61,801,335, plus strand): 5'-AGAAGATAGTTGTAGGGACAAAATATGATGTCAGCATCTTGTATTAGTTCTCGGGCTGTG[T>G]AATATGGACAGGCCTTTAGTTTCTTCCCCAGGCTGACAAGTTCTTCTATATCCCAGGCTT-3'
Protein context (NP_114432.2, residues 343-363): LGKKLKACPY[Tyr353Ser]TARELIQDAD